The following is an entry in ClinVar:

NM_014141.6(CNTNAP2):c.56G>C (p.Ser19Thr)

Gene: CNTNAP2 (contactin associated protein 2; plus strand). Cytogenetic location: 7q35.
Variant type: single nucleotide variant.
Coding change: c.56G>C on transcript NM_014141.6 (MANE Select); coding-DNA position 56, G replaced by C.
Protein change: p.Ser19Thr; replaces serine 19 with threonine.
Molecular consequence: missense variant.
Genome position (GRCh38, 1-based): chr7:146,116,932, G>C. VCF-style: chr7-146116932-G-C. GRCh37 (hg19) VCF-style: chr7-145814024-G-C.
Other names: short protein forms S19T.
Identifiers: ClinVar variation 420476 (VCV000420476.2), dbSNP rs1064794501, ClinGen allele CA16618369.

ClinVar aggregate classification (germline): Uncertain significance (1 of 4 stars; one submission).

Submission:

GeneDx
Classification: Uncertain significance. Last evaluated: 2016-02-12. Review status: criteria provided, single submitter. Criteria: GeneDx Variant Classification (06012015). Collection method: clinical testing. Allele origin: germline. Affected: yes.
Comment: A variant of uncertain significance has been identified in the CNTNAP2 gene. The S19T variant has not been published as a pathogenic variant, nor has it been reported as a benign variant to our knowledge. It was not observed in approximately 6,100 individuals of European and African American ancestry in the NHLBI Exome Sequencing Project, indicating it is not a common benign variant in these populations. The S19T variant is a conservative amino acid substitution, which is not likely to impact secondary protein structure as these residues share similar properties. This substitution occurs at a position that is not conserved. However, in silico analysis is inconsistent in its predictions as to whether or not the variant is damaging to the protein structure/function. Therefore, based on the currently available information, it is unclear whether this variant is a pathogenic variant or a rare benign variant.